The following is an entry in ClinVar:

ClinVar aggregate classification (germline): Uncertain significance (1 of 4 stars; one submission).

Conditions:
Congenital myasthenic syndrome 8. Also called: MYASTHENIC SYNDROME, CONGENITAL, DUE TO AGRIN DEFICIENCY; Myasthenic syndrome, congenital, 8, with pre- and postsynaptic defects. Identifiers: Orphanet 590, MedGen C3808739, MONDO:0014052, OMIM 615120.

gnomAD v4.1: 8 of 1,612,140 alleles (0.0005%); highest among the groups gnomAD compares: South Asian, 0.0011%; no homozygotes.

Submission:

Labcorp Genetics (formerly Invitae), Labcorp
Classification: Uncertain significance for Congenital myasthenic syndrome 8. Last evaluated: 2021-02-04. Review status: criteria provided, single submitter. Criteria: Invitae Variant Classification Sherloc (09022015). Collection method: clinical testing. Allele origin: germline.
Comment: In summary, the available evidence is currently insufficient to determine the role of this variant in disease. Therefore, it has been classified as a Variant of Uncertain Significance. Algorithms developed to predict the effect of missense changes on protein structure and function are either unavailable or do not agree on the potential impact of this missense change (SIFT: "Deleterious"; PolyPhen-2: "Possibly Damaging"; Align-GVGD: "Class C0"). This variant has not been reported in the literature in individuals with AGRN-related conditions. This variant is not present in population databases (ExAC no frequency). This sequence change replaces arginine with leucine at codon 815 of the AGRN protein (p.Arg815Leu). The arginine residue is moderately conserved and there is a moderate physicochemical difference between arginine and leucine.

NM_198576.4(AGRN):c.2444G>T (p.Arg815Leu)

Gene: AGRN (agrin; plus strand). Cytogenetic location: 1p36.33.
Variant type: single nucleotide variant.
Coding change: c.2444G>T on transcript NM_198576.4 (MANE Select); coding-DNA position 2444, G replaced by T.
Protein change: p.Arg815Leu; replaces arginine 815 with leucine.
Molecular consequence: missense variant.
Genome position (GRCh38, 1-based): chr1:1,045,431, G>T. VCF-style: chr1-1045431-G-T. GRCh37 (hg19) VCF-style: chr1-980811-G-T.
Other names: c.2444G>T, p.Arg815Leu (NM_001305275.2); c.2129G>T, p.Arg710Leu (NM_001364727.2); short protein forms R710L, R815L.
Identifiers: ClinVar variation 1448847 (VCV001448847.8), dbSNP rs755142502, ClinGen allele CA337839434.
Genomic context (GRCh38, chr1:1,045,431, plus strand): 5'-GCAACCCCCATGGCTCTTACGGCGGCACCTGTGACCCAGCCACAGGCCAGTGCTCCTGCC[G>T]CCCAGGTGTGGGGGGCCTCAGGTGTGACCGCTGTGAGCCTGGCTTCTGGAACTTTCGAGG-3'
Protein context (NP_940978.2, residues 805-825): CDPATGQCSC[Arg815Leu]PGVGGLRCDR